The following is an entry in ClinVar:

NM_001430.5(EPAS1):c.1346G>A (p.Ser449Asn)

Gene: EPAS1 (endothelial PAS domain protein 1; plus strand). Cytogenetic location: 2p21.
Variant type: single nucleotide variant.
Coding change: c.1346G>A on transcript NM_001430.5 (MANE Select); coding-DNA position 1346, G replaced by A.
Protein change: p.Ser449Asn; replaces serine 449 with asparagine.
Molecular consequence: missense variant.
Genome position (GRCh38, 1-based): chr2:46,377,990, G>A. VCF-style: chr2-46377990-G-A. GRCh37 (hg19) VCF-style: chr2-46605129-G-A.
Other names: short protein forms S449N.
Identifiers: ClinVar variation 2497553 (VCV002497553.2), dbSNP rs766737901, ClinGen allele CA1644957.

ClinVar aggregate classification (germline): Uncertain significance (1 of 4 stars; one submission).

Conditions:
Inborn genetic diseases. Identifiers: MedGen C0950123, MeSH D030342.

Allele frequency attached by ClinVar (database versions not stated): gnomAD 0.00001; gnomAD exomes 0.00001; ExAC 0.00007.
gnomAD v4.1: 5 of 1,581,248 alleles (0.00032%); highest among the groups gnomAD compares: Non-Finnish European, 0.000086%; no homozygotes.

Submission:

Ambry Genetics
Classification: Uncertain significance for Inborn genetic diseases. Last evaluated: 2023-01-16. Review status: criteria provided, single submitter. Criteria: Ambry Variant Classification Scheme 2023. Collection method: clinical testing. Allele origin: germline.
Comment: The p.S449N variant (also known as c.1346G>A), located in coding exon 10 of the EPAS1 gene, results from a G to A substitution at nucleotide position 1346. The serine at codon 449 is replaced by asparagine, an amino acid with highly similar properties. This amino acid position is conserved. In addition, this alteration is predicted to be tolerated by in silico analysis. Since supporting evidence is limited at this time, the clinical significance of this alteration remains unclear.